The following is an entry in ClinVar:

ClinVar aggregate classification (germline): Pathogenic (1 of 4 stars; one submission).

Conditions:
Cardiomyopathy (CMYO). Also called: Cardiomyopathies. Identifiers: Orphanet 167848, MedGen C0878544, MONDO:0004994, HP:0001638. Inheritance: Various modes of inheritance.

Submission:

Color Diagnostics, LLC DBA Color Health
Classification: Pathogenic for Cardiomyopathy. Last evaluated: 2025-06-10. Review status: criteria provided, single submitter. Criteria: ACMG Guidelines, 2015. Collection method: clinical testing. Allele origin: germline.
Comment: This variant inserts 1 nucleotide in exon 3/14 of the PKP2 gene, creating a frameshift and premature translation stop signal. This variant is expected to result in an absent or non-functional protein product. To our knowledge, this variant has not been reported in individuals affected with PKP2-related disorders in the literature. This variant has not been identified in the general population by the Genome Aggregation Database (gnomAD). Loss of PKP2 function is a known mechanism of disease. Based on the available evidence, this variant is classified as Pathogenic.

NM_001005242.3(PKP2):c.880dup (p.Ser294fs)

Gene: PKP2 (plakophilin 2; minus strand). Cytogenetic location: 12p11.21.
Variant type: Duplication.
Coding change: c.880dup on transcript NM_001005242.3 (MANE Select); coding-DNA position 880, one base duplicated (T; older notation c.880dupT).
Protein change: p.Ser294fs; shifts the reading frame from serine 294.
Molecular consequence: frameshift variant.
Genome position (GRCh38, 1-based): chr12:32,878,000, A duplicated on the plus strand (T on the coding strand, the reverse complement: PKP2 is on the minus strand). VCF-style (leftmost placement, unchanged base first): chr12-32877999-G-GA. GRCh37 (hg19) VCF-style: chr12-33030933-G-GA.
Other names: c.553dup, p.Ser185fs (NM_001407159.1, NM_001407160.1, NM_001407162.1 and 1 more transcripts); c.880dup, p.Ser294fs (NM_001407161.1, NM_004572.4, NM_001407155.1 and 2 more transcripts); short protein forms S185fs, S294fs.
Identifiers: ClinVar variation 4758545 (VCV004758545.1).